The following is an entry in ClinVar:

ClinVar aggregate classification (germline): Uncertain significance (1 of 4 stars; one submission).

Conditions:
Hereditary spastic paraplegia 11. Also called: Spastic Paraplegia 11; Spastic paraplegia, mental retardation and thin corpus callosum; SPASTIC PARAPLEGIA, AUTOSOMAL RECESSIVE, COMPLICATED, WITH THIN CORPUS CALLOSUM; SPASTIC PARAPLEGIA, AUTOSOMAL RECESSIVE, WITH MENTAL IMPAIRMENT AND THIN CORPUS CALLOSUM; Nakamura Osame syndrome; Autosomal recessive hereditary spastic paraplegia, mental impairment, and thin corpus callosum. Identifiers: Orphanet 2822, MedGen C1858479, MONDO:0011445, OMIM 604360.

Submission:

Labcorp Genetics (formerly Invitae), Labcorp
Classification: Uncertain significance for Hereditary spastic paraplegia 11. Last evaluated: 2021-12-02. Review status: criteria provided, single submitter. Criteria: Invitae Variant Classification Sherloc (09022015). Collection method: clinical testing. Allele origin: germline.
Comment: In summary, the available evidence is currently insufficient to determine the role of this variant in disease. Therefore, it has been classified as a Variant of Uncertain Significance. Algorithms developed to predict the effect of missense changes on protein structure and function are either unavailable or do not agree on the potential impact of this missense change (SIFT: "Deleterious"; PolyPhen-2: "Probably Damaging"; Align-GVGD: "Class C0"). This variant has not been reported in the literature in individuals affected with SPG11-related conditions. This variant is not present in population databases (gnomAD no frequency). This sequence change replaces phenylalanine, which is neutral and non-polar, with cysteine, which is neutral and slightly polar, at codon 214 of the SPG11 protein (p.Phe214Cys).

NM_025137.4(SPG11):c.641T>G (p.Phe214Cys)

Gene: SPG11 (SPG11 vesicle trafficking associated, spatacsin; minus strand). Cytogenetic location: 15q21.1.
Variant type: single nucleotide variant.
Coding change: c.641T>G on transcript NM_025137.4 (MANE Select); coding-DNA position 641, T replaced by G.
Protein change: p.Phe214Cys; replaces phenylalanine 214 with cysteine.
Molecular consequence: missense variant.
Genome position (GRCh38, 1-based): chr15:44,659,105, A>C on the plus strand (T>G on the coding strand, the complement: SPG11 is on the minus strand). VCF-style: chr15-44659105-A-C. GRCh37 (hg19) VCF-style: chr15-44951303-A-C.
Other names: c.641T>G, p.Phe214Cys (NM_001160227.2); short protein forms F214C.
Identifiers: ClinVar variation 1435132 (VCV001435132.6), dbSNP rs2141126013, ClinGen allele CA392237619.
Genomic context (GRCh38, chr15:44,659,105, plus strand): 5'-ACGTATCAATCAACACTTCTACCACCAAGGATACAGATCCAGCCTAAACTACTCAAAACA[A>C]AAAGAATTCCTCTGCAGAGCTGCGTGTCAATAATCATGTCCACTGCCTGTGCAGGCAAGG-3'
Protein context (NP_079413.3, residues 204-224): IDTQLCRGIL[Phe214Cys]VLSSLGWIYI